The following is an entry in ClinVar:

NM_001267550.2(TTN):c.86658G>A (p.Glu28886=)

Genes: TTN (titin; minus strand), TTN-AS1 (TTN antisense RNA 1; plus strand). Cytogenetic location: 2q31.2.
Variant type: single nucleotide variant.
Coding change: c.86658G>A on transcript NM_001267550.2 (MANE Select); coding-DNA position 86658, G replaced by A.
Protein change: p.Glu28886=; no amino-acid change (glutamic acid 28886 retained).
Molecular consequence: synonymous variant.
Genome position (GRCh38, 1-based): chr2:178,559,474, C>T on the plus strand (G>A on the coding strand, the complement: TTN is on the minus strand). VCF-style: chr2-178559474-C-T. GRCh37 (hg19) VCF-style: chr2-179424201-C-T.
Other names: c.81735G>A, p.Glu27245= (NM_001256850.1); c.59463G>A, p.Glu19821= (NM_003319.4); c.78954G>A, p.Glu26318= (NM_133378.4); c.59838G>A, p.Glu19946= (NM_133432.3); c.60039G>A, p.Glu20013= (NM_133437.4).
Identifiers: ClinVar variation 332743 (VCV000332743.34), dbSNP rs760858743, ClinGen allele CA1988459.

ClinVar aggregate classification (germline): Conflicting classifications of pathogenicity. Review status: criteria provided, conflicting classifications (1 of 4 stars). 13 submissions from 9 submitters: Uncertain significance (3); Benign (6); Likely benign (4). Last evaluated 2026-08-01.

Conditions:
Cardiovascular phenotype. Identifiers: MedGen CN230736.
Early-onset myopathy with fatal cardiomyopathy (CMYO5). Also called: Salih Myopathy; CONGENITAL MYOPATHY 5 WITH CARDIOMYOPATHY. Identifiers: Orphanet 289377, MedGen C2673677, MONDO:0012714, OMIM 611705. Disease mechanism: loss of function.
Myopathy, myofibrillar, 9, with early respiratory failure (MFM9). Also called: Hereditary myopathy with early respiratory failure; Myopathy, distal, with early respiratory failure, autosomal dominant; MYOPATHY, PROXIMAL, WITH EARLY RESPIRATORY MUSCLE INVOLVEMENT; EDSTROM MYOPATHY. Identifiers: Orphanet 178464, Orphanet 34521, MedGen C1863599, MONDO:0011362, OMIM 603689.
Autosomal recessive limb-girdle muscular dystrophy type 2J (LGMDR10). Also called: Limb-girdle muscular dystrophy, type 2J; MUSCULAR DYSTROPHY, LIMB-GIRDLE, AUTOSOMAL RECESSIVE 10. Identifiers: Orphanet 140922, MedGen C1837342, MONDO:0012127, OMIM 608807.
Tibial muscular dystrophy (TMD). Also called: Tibial muscular dystrophy, tardive; Udd Distal Myopathy – Tibial Muscular Dystrophy; UDD MYOPATHY. Identifiers: Orphanet 609, MedGen C1838244, MONDO:0010870, OMIM 600334.
TTN-related disorder. Also called: TTN-related condition; TTN-related disease; TTN-related disorders.
Dilated cardiomyopathy 1G (CMD1G). Identifiers: Orphanet 154, MedGen C1858763, MONDO:0011400, OMIM 604145.

Allele frequency attached by ClinVar (database versions not stated): ExAC 0.00046; gnomAD 0.00013; TOPMed 0.00035.
gnomAD v4.1: 200 of 1,613,558 alleles (0.012%); highest among the groups gnomAD compares: Admixed American, 0.33%; 3 homozygotes.

Submissions (13):

CeGaT Center for Human Genetics Tuebingen
Classification: Likely benign. Last evaluated: 2026-08-01. Review status: criteria provided, single submitter. Criteria: CeGaT Center For Human Genetics Tuebingen Variant Classification Criteria Version 2. Collection method: clinical testing. Allele origin: germline. Affected: yes. Observed: 10 variant alleles.
Comment: TTN: BP4, BP7

Labcorp Genetics (formerly Invitae), Labcorp
Classification: Benign for Dilated cardiomyopathy 1G; Autosomal recessive limb-girdle muscular dystrophy type 2J. Last evaluated: 2026-01-31. Review status: criteria provided, single submitter. Criteria: Invitae Variant Classification Sherloc (09022015). Collection method: clinical testing. Allele origin: germline.

PreventionGenetics, part of Exact Sciences
Classification: Likely benign for TTN-related condition. Last evaluated: 2025-04-22. Review status: criteria provided, single submitter. Criteria: ACMG Guidelines, 2015. Collection method: clinical testing. Allele origin: germline.
Comment: This variant is classified as likely benign based on ACMG/AMP sequence variant interpretation guidelines (Richards et al. 2015 PMID: 25741868, with internal and published modifications).

Women's Health and Genetics/Laboratory Corporation of America, LabCorp
Classification: Benign. Last evaluated: 2024-03-30. Review status: criteria provided, single submitter. Criteria: LabCorp Variant Classification Summary - May 2015. Collection method: clinical testing. Allele origin: germline.

ARUP Laboratories, Molecular Genetics and Genomics, ARUP Laboratories
Classification: Benign. Last evaluated: 2023-12-18. Review status: criteria provided, single submitter. Criteria: ARUP Molecular Germline Variant Investigation Process 2024. Collection method: clinical testing. Allele origin: germline.

Illumina Laboratory Services, Illumina
Classification: Benign for Tibial muscular dystrophy. Last evaluated: 2018-01-12. Review status: criteria provided, single submitter. Criteria: ICSL Variant Classification Criteria 13 December 2019. Collection method: clinical testing. Allele origin: germline.
Comment: This variant was observed in the ICSL laboratory as part of a predisposition screen in an ostensibly healthy population. It had not been previously curated by ICSL or reported in the Human Gene Mutation Database (HGMD: prior to June 1st, 2018), and was therefore a candidate for classification through an automated scoring system. Utilizing variant allele frequency, disease prevalence and penetrance estimates, and inheritance mode, an automated score was calculated to assess if this variant is too frequent to cause the disease. Based on the score and internal cut-off values, a variant classified as benign is not then subjected to further curation. The score for this variant resulted in a classification of benign for this disease.

Illumina Laboratory Services, Illumina
Classification: Uncertain significance for Early-onset myopathy with fatal cardiomyopathy. Last evaluated: 2018-01-12. Review status: criteria provided, single submitter. Criteria: ICSL Variant Classification Criteria 13 December 2019. Collection method: clinical testing. Allele origin: germline.

Illumina Laboratory Services, Illumina
Classification: Uncertain significance for Autosomal recessive limb-girdle muscular dystrophy type 2J. Last evaluated: 2018-01-12. Review status: criteria provided, single submitter. Criteria: ICSL Variant Classification Criteria 13 December 2019. Collection method: clinical testing. Allele origin: germline.

Illumina Laboratory Services, Illumina
Classification: Benign for Myopathy, myofibrillar, 9, with early respiratory failure. Last evaluated: 2018-01-12. Review status: criteria provided, single submitter. Criteria: ICSL Variant Classification Criteria 13 December 2019. Collection method: clinical testing. Allele origin: germline.
Comment: the same text as in the submission from Illumina Laboratory Services, Illumina above.

Illumina Laboratory Services, Illumina
Classification: Uncertain significance for Dilated cardiomyopathy 1G. Last evaluated: 2018-01-12. Review status: criteria provided, single submitter. Criteria: ICSL Variant Classification Criteria 13 December 2019. Collection method: clinical testing. Allele origin: germline.

Ambry Genetics
Classification: Likely benign for Cardiovascular phenotype. Last evaluated: 2017-05-26. Review status: criteria provided, single submitter. Criteria: Ambry Variant Classification Scheme 2023. Collection method: clinical testing. Allele origin: germline.

Eurofins Ntd Llc (ga)
Classification: Likely benign. Last evaluated: 2016-12-30. Review status: criteria provided, single submitter. Criteria: EGL Classification Definitions 2015. Collection method: clinical testing. Allele origin: germline. Observed: 1 variant allele, 1 heterozygote.

GeneDx
Classification: Benign. Last evaluated: 2015-06-25. Review status: criteria provided, single submitter. Criteria: GeneDx Variant Classification (06012015). Collection method: clinical testing. Allele origin: germline. Affected: yes.
Comment: This variant is considered likely benign or benign based on one or more of the following criteria: it is a conservative change, it occurs at a poorly conserved position in the protein, it is predicted to be benign by multiple in silico algorithms, and/or has population frequency not consistent with disease.